The following is an entry in ClinVar:

NM_001193313.2(SUGCT):c.265G>T (p.Val89Phe)

Gene: SUGCT (succinyl-CoA:glutarate-CoA transferase; plus strand). Cytogenetic location: 7p14.1.
Variant type: single nucleotide variant.
Coding change: c.265G>T on transcript NM_001193313.2 (MANE Select); coding-DNA position 265, G replaced by T.
Protein change: p.Val89Phe; replaces valine 89 with phenylalanine.
Molecular consequence: missense variant.
Genome position (GRCh38, 1-based): chr7:40,188,533, G>T. VCF-style: chr7-40188533-G-T. GRCh37 (hg19) VCF-style: chr7-40228132-G-T.
Other names: c.265G>T, p.Val89Phe (NM_001193311.2, NM_001193312.2, NM_024728.3); short protein forms V89F.
Identifiers: ClinVar variation 1905226 (VCV001905226.5), dbSNP rs913673123, ClinGen allele CA157719138.
Genomic context (GRCh38, chr7:40,188,533, plus strand): 5'-TAGCTCATGTTATTATTTTCAGGAGCTGGTGATGATACACGAACTTGGGGGCCACCTTTT[G>T]TTGGGACAGAAAGTACATATTATCTCAGTGTTAACCGAAATAAAAAAGTAAGAATATCAT-3'
Protein context (NP_001180242.2, residues 79-99): DDTRTWGPPF[Val89Phe]GTESTYYLSV

ClinVar aggregate classification (germline): Uncertain significance (1 of 4 stars; one submission).

Allele frequency attached by ClinVar (database versions not stated): gnomAD exomes below 0.00001; gnomAD 0.00001.
gnomAD v4.1: 6 of 1,600,438 alleles (0.00037%); highest among the groups gnomAD compares: African/African-American, 0.0027%; no homozygotes.

Submission:

Labcorp Genetics (formerly Invitae), Labcorp
Classification: Uncertain significance. Last evaluated: 2022-02-14. Review status: criteria provided, single submitter. Criteria: Invitae Variant Classification Sherloc (09022015). Collection method: clinical testing. Allele origin: germline.
Comment: This sequence change replaces valine, which is neutral and non-polar, with phenylalanine, which is neutral and non-polar, at codon 96 of the SUGCT protein (p.Val96Phe). This variant is present in population databases (no rsID available, gnomAD 0.003%). This variant has not been reported in the literature in individuals affected with SUGCT-related conditions. Algorithms developed to predict the effect of missense changes on protein structure and function are either unavailable or do not agree on the potential impact of this missense change (SIFT: "Deleterious"; PolyPhen-2: "Not Available"; Align-GVGD: "Class C0"). In summary, the available evidence is currently insufficient to determine the role of this variant in disease. Therefore, it has been classified as a Variant of Uncertain Significance.